The following is an entry in ClinVar:

ClinVar aggregate classification (germline): Pathogenic/Likely pathogenic. Review status: criteria provided, multiple submitters, no conflicts (2 of 4 stars). 2 submissions from 2 submitters: Pathogenic (1); Likely pathogenic (1). Last evaluated 2023-06-26.

Conditions:
Inborn genetic diseases. Identifiers: MedGen C0950123, MeSH D030342.
NSD1-related disorder. Also called: NSD1-related condition.

Submissions (2):

Blueprint Genetics
Classification: Likely pathogenic for NSD1-related disorders. Last evaluated: 2023-06-26. Review status: criteria provided, single submitter. Criteria: ACMG Guidelines, 2015. Collection method: clinical testing. Allele origin: germline. Affected: yes. Observed: 1 variant allele.

Ambry Genetics
Classification: Pathogenic for Inborn genetic diseases. Last evaluated: 2022-09-29. Review status: criteria provided, single submitter. Criteria: Ambry Variant Classification Scheme 2023. Collection method: clinical testing. Allele origin: germline.
Comment: The c.5622+1G>A intronic variant results from a G to A substitution one nucleotide after exon 17 (coding exon 16) of the NSD1 gene. Alterations that disrupt the canonical splice site are expected to cause aberrant splicing, resulting in an abnormal protein or a transcript that is subject to nonsense-mediated mRNA decay. This variant was not reported in population-based cohorts in the Genome Aggregation Database (gnomAD). This nucleotide position is highly conserved in available vertebrate species. In silico splice site analysis predicts that this alteration will weaken the native splice donor site. Based on the available evidence, this alteration is classified as pathogenic.

NM_022455.5(NSD1):c.5622+1G>A

Gene: NSD1 (nuclear receptor binding SET domain protein 1; plus strand). Cytogenetic location: 5q35.3.
Variant type: single nucleotide variant.
Coding change: c.5622+1G>A on transcript NM_022455.5 (MANE Select); the canonical splice donor site of the intron after coding-DNA position 5622, G replaced by A.
Molecular consequence: splice donor variant.
Genome position (GRCh38, 1-based): chr5:177,273,785, G>A. VCF-style: chr5-177273785-G-A. GRCh37 (hg19) VCF-style: chr5-176700786-G-A.
Other names: c.5622+1G>A (NM_001409301.1, NM_001409302.1, NM_001409303.1); c.5202+1G>A (NM_001409304.1); c.4869+1G>A (NM_001409305.1); c.4860+1G>A (NM_001409306.1, NM_001409307.1); c.4749+1G>A (NM_001409308.1, NM_172349.5, NM_001409309.1 and 1 more transcripts).
Identifiers: ClinVar variation 2308598 (VCV002308598.3), dbSNP rs2480749822, ClinGen allele CA362309239.